The following is an entry in ClinVar:

ClinVar aggregate classification (germline): Uncertain significance. Review status: criteria provided, multiple submitters, no conflicts (2 of 4 stars). 2 submissions from 2 submitters: Uncertain significance (2). Last evaluated 2024-11-13.

Conditions:
Centromeric instability of chromosomes 1,9 and 16 and immunodeficiency (ICF1). Also called: CENTROMERIC INSTABILITY, IMMUNODEFICIENCY SYNDROME; Immunodeficiency-centromeric instability-facial anomalies; IMMUNE DEFICIENCY, VARIABLE, WITH CENTROMERIC INSTABILITY OF CHROMOSOMES 1, 9, AND 16; IMMUNODEFICIENCY SYNDROME, VARIABLE. Identifiers: Orphanet 2268, MedGen C0398788, MONDO:0000133.
Inborn genetic diseases. Identifiers: MedGen C0950123, MeSH D030342.

Allele frequency attached by ClinVar (database versions not stated): gnomAD exomes below 0.00001; ExAC 0.00001; TOPMed 0.00002.
gnomAD v4.1: 2 of 1,614,244 alleles (0.00012%); highest among the groups gnomAD compares: Non-Finnish European, 0.00017%; no homozygotes.

Submissions (2):

Ambry Genetics
Classification: Uncertain significance for Inborn genetic diseases. Last evaluated: 2024-11-13. Review status: criteria provided, single submitter. Criteria: Ambry Variant Classification Scheme 2023. Collection method: clinical testing. Allele origin: germline.

Labcorp Genetics (formerly Invitae), Labcorp
Classification: Uncertain significance for Centromeric instability of chromosomes 1,9 and 16 and immunodeficiency. Last evaluated: 2024-02-24. Review status: criteria provided, single submitter. Criteria: Invitae Variant Classification Sherloc (09022015). Collection method: clinical testing. Allele origin: germline.
Comment: This sequence change replaces serine, which is neutral and polar, with cysteine, which is neutral and slightly polar, at codon 319 of the DNMT3B protein (p.Ser319Cys). This variant is present in population databases (rs761984399, gnomAD 0.0009%). This variant has not been reported in the literature in individuals affected with DNMT3B-related conditions. ClinVar contains an entry for this variant (Variation ID: 850034). Advanced modeling of protein sequence and biophysical properties (such as structural, functional, and spatial information, amino acid conservation, physicochemical variation, residue mobility, and thermodynamic stability) performed at Invitae indicates that this missense variant is not expected to disrupt DNMT3B protein function with a negative predictive value of 80%. In summary, the available evidence is currently insufficient to determine the role of this variant in disease. Therefore, it has been classified as a Variant of Uncertain Significance.

NM_006892.4(DNMT3B):c.955A>T (p.Ser319Cys)

Gene: DNMT3B (DNA methyltransferase 3 beta; plus strand). Cytogenetic location: 20q11.21.
Variant type: single nucleotide variant.
Coding change: c.955A>T on transcript NM_006892.4 (MANE Select); coding-DNA position 955, A replaced by T.
Protein change: p.Ser319Cys; replaces serine 319 with cysteine.
Molecular consequence: missense variant.
Genome position (GRCh38, 1-based): chr20:32,792,659, A>T. VCF-style: chr20-32792659-A-T. GRCh37 (hg19) VCF-style: chr20-31380465-A-T.
Other names: c.829A>T, p.Ser277Cys (NM_001207055.2); c.727A>T, p.Ser243Cys (NM_001207056.2); c.955A>T, p.Ser319Cys (NM_175848.2, NM_175849.2); c.991A>T, p.Ser331Cys (NM_175850.3); short protein forms S331C, S243C, S277C, S319C.
Identifiers: ClinVar variation 850034 (VCV000850034.10), dbSNP rs761984399, ClinGen allele CA9810363.